The following is an entry in ClinVar:

ClinVar aggregate classification (germline): Uncertain significance (1 of 4 stars; one submission).

Submission:

Labcorp Genetics (formerly Invitae), Labcorp
Classification: Uncertain significance. Last evaluated: 2022-06-13. Review status: criteria provided, single submitter. Criteria: Invitae Variant Classification Sherloc (09022015). Collection method: clinical testing. Allele origin: germline.
Comment: This sequence change replaces cysteine, which is neutral and slightly polar, with tryptophan, which is neutral and slightly polar, at codon 395 of the CEP152 protein (p.Cys395Trp). This variant is not present in population databases (gnomAD no frequency). This variant has not been reported in the literature in individuals affected with CEP152-related conditions. Algorithms developed to predict the effect of missense changes on protein structure and function are either unavailable or do not agree on the potential impact of this missense change (SIFT: "Deleterious"; PolyPhen-2: "Probably Damaging"; Align-GVGD: "Class C15"). In summary, the available evidence is currently insufficient to determine the role of this variant in disease. Therefore, it has been classified as a Variant of Uncertain Significance.

NM_001194998.2(CEP152):c.1185C>G (p.Cys395Trp)

Gene: CEP152 (centrosomal protein 152; minus strand). Cytogenetic location: 15q21.1.
Variant type: single nucleotide variant.
Coding change: c.1185C>G on transcript NM_001194998.2 (MANE Select); coding-DNA position 1185, C replaced by G.
Protein change: p.Cys395Trp; replaces cysteine 395 with tryptophan.
Molecular consequence: missense variant.
Genome position (GRCh38, 1-based): chr15:48,784,109, G>C on the plus strand (C>G on the coding strand, the complement: CEP152 is on the minus strand). VCF-style: chr15-48784109-G-C. GRCh37 (hg19) VCF-style: chr15-49076306-G-C.
Other names: c.1185C>G, p.Cys395Trp (NM_014985.4); short protein forms C395W.
Identifiers: ClinVar variation 1499750 (VCV001499750.3), dbSNP rs377258492, ClinGen allele CA392354925.